The following is an entry in ClinVar:

NM_000342.4(SLC4A1):c.*351G>T

Gene: SLC4A1 (solute carrier family 4 member 1 (Diego blood group); minus strand). Cytogenetic location: 17q21.31.
Variant type: single nucleotide variant.
Coding change: c.*351G>T on transcript NM_000342.4 (MANE Select); 351 bases downstream of the stop codon, G replaced by T.
Molecular consequence: 3 prime UTR variant.
Genome position (GRCh38, 1-based): chr17:44,250,107, C>A on the plus strand (G>T on the coding strand, the complement: SLC4A1 is on the minus strand). VCF-style: chr17-44250107-C-A. GRCh37 (hg19) VCF-style: chr17-42327475-C-A.
Identifiers: ClinVar variation 323495 (VCV000323495.5), dbSNP rs138242019, ClinGen allele CA10650258.
Genomic context (GRCh38, chr17:44,250,107, plus strand): 5'-GAGGAAATATAGGCTGGAAAGGTCAAGGGACTTGCCCAAGGTCACACAGCAAGCACCCCA[C>A]CCGCTCACCCACCTCCTGCCTTTGCTTCTACCCCTGCCTGTGCTGGGAAGAGGGAGGGCT-3'

ClinVar aggregate classification (germline): Conflicting classifications of pathogenicity. Review status: criteria provided, conflicting classifications (1 of 4 stars). 3 submissions from 1 submitter: Uncertain significance (2); Benign (1). Last evaluated 2018-01-12.

Conditions:
Hereditary spherocytosis type 4. Also called: SLC4A1-Related Spherocytosis. Identifiers: Orphanet 822, MedGen C2675212, MONDO:0012981, OMIM 612653.
Autosomal dominant distal renal tubular acidosis (DRTA1). Also called: RTA, CLASSIC TYPE; RTA, DISTAL TYPE, AUTOSOMAL DOMINANT; RTA, GRADIENT TYPE; Renal Tubular Acidosis, Type I; RENAL TUBULAR ACIDOSIS, DISTAL, 1. Identifiers: Orphanet 93608, MedGen CN280572, MONDO:0008368, OMIM 179800.
Hemolytic anemia. Identifiers: MedGen C0002878, MONDO:0003664, HP:0001878.

Allele frequency attached by ClinVar (database versions not stated): gnomAD 0.00002 and 0.00007; TOPMed 0.00011; gnomAD exomes 0.00013; 1000 Genomes Project 0.00080; 1000 Genomes Project 30x 0.00094.
gnomAD v4.1: 33 of 336,742 alleles (0.0098%); highest among the groups gnomAD compares: East Asian, 0.22%; no homozygotes.

Submissions (3):

Illumina Laboratory Services, Illumina
Classification: Benign for Autosomal dominant distal renal tubular acidosis. Last evaluated: 2018-01-12. Review status: criteria provided, single submitter. Criteria: ICSL Variant Classification Criteria 13 December 2019. Collection method: clinical testing. Allele origin: germline.
Comment: This variant was observed in the ICSL laboratory as part of a predisposition screen in an ostensibly healthy population. It had not been previously curated by ICSL or reported in the Human Gene Mutation Database (HGMD: prior to June 1st, 2018), and was therefore a candidate for classification through an automated scoring system. Utilizing variant allele frequency, disease prevalence and penetrance estimates, and inheritance mode, an automated score was calculated to assess if this variant is too frequent to cause the disease. Based on the score and internal cut-off values, a variant classified as benign is not then subjected to further curation. The score for this variant resulted in a classification of benign for this disease.

Illumina Laboratory Services, Illumina
Classification: Uncertain significance for Hereditary spherocytosis type 4. Last evaluated: 2018-01-12. Review status: criteria provided, single submitter. Criteria: ICSL Variant Classification Criteria 13 December 2019. Collection method: clinical testing. Allele origin: germline.

Illumina Laboratory Services, Illumina
Classification: Uncertain significance for Hemolytic anemia. Last evaluated: 2018-01-12. Review status: criteria provided, single submitter. Criteria: ICSL Variant Classification Criteria 13 December 2019. Collection method: clinical testing. Allele origin: germline.